The following is an entry in ClinVar:

NM_000368.5(TSC1):c.929C>T (p.Thr310Ile)

Gene: TSC1 (TSC complex subunit 1; minus strand). Cytogenetic location: 9q34.13.
Variant type: single nucleotide variant.
Coding change: c.929C>T on transcript NM_000368.5 (MANE Select); coding-DNA position 929, C replaced by T.
Protein change: p.Thr310Ile; replaces threonine 310 with isoleucine.
Molecular consequence: missense variant.
Genome position (GRCh38, 1-based): chr9:132,911,553, G>A on the plus strand (C>T on the coding strand, the complement: TSC1 is on the minus strand). VCF-style: chr9-132911553-G-A. GRCh37 (hg19) VCF-style: chr9-135786940-G-A.
Other names: c.929C>T, p.Thr310Ile (NM_001162426.2); c.776C>T, p.Thr259Ile (NM_001162427.2); c.566C>T, p.Thr189Ile (NM_001362177.2); short protein forms T189I, T259I, T310I.
Identifiers: ClinVar variation 655773 (VCV000655773.9), dbSNP rs1588324860, ClinGen allele CA375368731.

ClinVar aggregate classification (germline): Uncertain significance. Review status: criteria provided, multiple submitters, no conflicts (2 of 4 stars). 2 submissions from 2 submitters: Uncertain significance (2). Last evaluated 2026-07-02.

Conditions:
Tuberous sclerosis 1 (TSC1). Identifiers: Orphanet 805, MedGen C1854465, MONDO:0008612, OMIM 191100.
Hereditary cancer-predisposing syndrome. Also called: Neoplastic Syndromes, Hereditary; Hereditary Cancer Syndrome; Hereditary neoplastic syndrome; Tumor predisposition. Identifiers: Orphanet 140162, MedGen C0027672, MeSH D009386, MONDO:0015356.

Allele frequency attached by ClinVar (database versions not stated): TOPMed below 0.00001.

Submissions (2):

Ambry Genetics
Classification: Uncertain significance for Hereditary cancer-predisposing syndrome. Last evaluated: 2026-07-02. Review status: criteria provided, single submitter. Criteria: Ambry Variant Classification Scheme 2023. Collection method: clinical testing. Allele origin: germline.
Comment: The p.T310I variant (also known as c.929C>T), located in coding exon 8 of the TSC1 gene, results from a C to T substitution at nucleotide position 929. The threonine at codon 310 is replaced by isoleucine, an amino acid with similar properties. This amino acid position is conserved. In addition, this alteration is predicted to be deleterious by in silico analysis. Based on the available evidence, the clinical significance of this variant remains unclear.

Labcorp Genetics (formerly Invitae), Labcorp
Classification: Uncertain significance for Tuberous sclerosis 1. Last evaluated: 2021-03-05. Review status: criteria provided, single submitter. Criteria: Invitae Variant Classification Sherloc (09022015). Collection method: clinical testing. Allele origin: germline.
Comment: This sequence change replaces threonine with isoleucine at codon 310 of the TSC1 protein (p.Thr310Ile). The threonine residue is moderately conserved and there is a moderate physicochemical difference between threonine and isoleucine. This variant is not present in population databases (ExAC no frequency). This variant has not been reported in the literature in individuals with TSC1-related conditions. Algorithms developed to predict the effect of missense changes on protein structure and function (SIFT, PolyPhen-2, Align-GVGD) all suggest that this variant is likely to be tolerated, but these predictions have not been confirmed by published functional studies and their clinical significance is uncertain. In summary, the available evidence is currently insufficient to determine the role of this variant in disease. Therefore, it has been classified as a Variant of Uncertain Significance.